The following is an entry in ClinVar:

ClinVar aggregate classification (germline): Likely benign (1 of 4 stars; one submission).

Conditions:
THAP11-related disorder. Also called: THAP11-related condition.

Submission:

PreventionGenetics, part of Exact Sciences
Classification: Likely benign for THAP11-related condition. Last evaluated: 2026-01-05. Review status: criteria provided, single submitter. Criteria: ACMG Guidelines, 2015. Collection method: clinical testing. Allele origin: germline.
Comment: This variant is classified as likely benign based on ACMG/AMP sequence variant interpretation guidelines (Richards et al. 2015 PMID: 25741868, with internal and published modifications).

NM_020457.3(THAP11):c.383_397del (p.Gln128_Ser133delinsPro)

Genes: CENPT (centromere protein T; minus strand), THAP11 (THAP domain containing 11; plus strand). Cytogenetic location: 16q22.1.
Variant type: Deletion.
Coding change: c.383_397del on transcript NM_020457.3 (MANE Select); coding-DNA positions 383 to 397, 15 bases deleted (AGCAGCAGCAGCAGT).
Protein change: p.Gln128_Ser133delinsPro.
Molecular consequence: inframe indel. On other transcripts: intron variant (1).
Genome position (GRCh38, 1-based): chr16:67,842,937-67,842,951, AGCAGCAGCAGCAGT deleted. VCF-style (leftmost placement, unchanged base first): chr16-67842936-CAGCAGCAGCAGCAGT-C. GRCh37 (hg19) VCF-style: chr16-67876839-CAGCAGCAGCAGCAGT-C.
Other names: c.-492+4450_-492+4464del (NM_025082.4).
Identifiers: ClinVar variation 4978271 (VCV004978271.1).